The following is an entry in ClinVar:

ClinVar aggregate classification (germline): Likely benign. Review status: criteria provided, multiple submitters, no conflicts (2 of 4 stars). 4 submissions from 4 submitters: Likely benign (3). 1 of the submissions does not count toward it. Last evaluated 2025-11-27.

Conditions:
FBN3-related disorder. Also called: FBN3-related condition.

Allele frequency attached by ClinVar (database versions not stated): gnomAD 0.00023; TOPMed 0.00031; ESP Exome Variant Server 0.00038; 1000 Genomes Project 0.00040; ExAC 0.00040; 1000 Genomes Project 30x 0.00062.
gnomAD v4.1: 958 of 1,597,974 alleles (0.06%); highest among the groups gnomAD compares: Non-Finnish European, 0.078%; 1 homozygote.

Submissions (4):

Labcorp Genetics (formerly Invitae), Labcorp
Classification: Likely benign. Last evaluated: 2025-11-27. Review status: criteria provided, single submitter. Criteria: Invitae Variant Classification Sherloc (09022015). Collection method: clinical testing. Allele origin: germline.

Ambry Genetics
Classification: Likely benign. Last evaluated: 2023-12-13. Review status: criteria provided, single submitter. Criteria: Ambry Variant Classification Scheme 2023. Collection method: clinical testing. Allele origin: germline.

CeGaT Center for Human Genetics Tuebingen
Classification: Likely benign. Last evaluated: 2022-11-01. Review status: criteria provided, single submitter. Criteria: CeGaT Center For Human Genetics Tuebingen Variant Classification Criteria Version 2. Collection method: clinical testing. Allele origin: germline. Affected: yes. Observed: 1 variant allele.
Comment: FBN3: BP4, BP7

PreventionGenetics, part of Exact Sciences
Classification: Likely benign for FBN3-related condition. Last evaluated: 2019-08-23. Review status: no assertion criteria provided. Collection method: clinical testing. Allele origin: germline. Not counted in ClinVar's aggregate classification.
Comment: This variant is classified as likely benign based on ACMG/AMP sequence variant interpretation guidelines (Richards et al. 2015 PMID: 25741868, with internal and published modifications).

NM_032447.5(FBN3):c.1734G>A (p.Thr578=)

Gene: FBN3 (fibrillin 3; minus strand). Cytogenetic location: 19p13.2.
Variant type: single nucleotide variant.
Coding change: c.1734G>A on transcript NM_032447.5 (MANE Select); coding-DNA position 1734, G replaced by A.
Protein change: p.Thr578=; no amino-acid change (threonine 578 retained).
Molecular consequence: synonymous variant.
Genome position (GRCh38, 1-based): chr19:8,131,810, C>T on the plus strand (G>A on the coding strand, the complement: FBN3 is on the minus strand). VCF-style: chr19-8131810-C-T. GRCh37 (hg19) VCF-style: chr19-8196694-C-T.
Other names: c.1734G>A (NM_032447.3, NM_001321431.1); c.1734G>A, p.Thr578= (NM_001321431.2).
Identifiers: ClinVar variation 2047325 (VCV002047325.30), dbSNP rs75599703, ClinGen allele CA9153175.